The following is an entry in ClinVar:

NM_001371623.1(TCOF1):c.1086G>A (p.Ala362=)

Gene: TCOF1 (treacle ribosome biogenesis factor 1; plus strand). Cytogenetic location: 5q32.
Variant type: single nucleotide variant.
Coding change: c.1086G>A on transcript NM_001371623.1 (MANE Select); coding-DNA position 1086, G replaced by A.
Protein change: p.Ala362=; no amino-acid change (alanine 362 retained).
Molecular consequence: synonymous variant.
Genome position (GRCh38, 1-based): chr5:150,374,619, G>A. VCF-style: chr5-150374619-G-A. GRCh37 (hg19) VCF-style: chr5-149754182-G-A.
Other names: c.855G>A, p.Ala285= (NM_000356.4, NM_001135245.2); c.1086G>A, p.Ala362= (NM_001008657.3, NM_001135243.2, NM_001135244.2 and 1 more transcripts).
Identifiers: ClinVar variation 209023 (VCV000209023.2), dbSNP rs151344568, ClinGen allele CA276083.

ClinVar aggregate classification (germline): Likely benign. Review status: criteria provided, single submitter (1 of 4 stars). 2 submissions from 2 submitters: Likely benign (1). 1 of the submissions does not count toward it. Last evaluated 2019-09-05.

Conditions:
Treacher Collins syndrome 1 (TCS1). Also called: TCOF1-Related Treacher Collins Syndrome. Identifiers: Orphanet 861, MedGen CN315775, MONDO:0007944, OMIM 154500.

Allele frequency attached by ClinVar (database versions not stated): TOPMed below 0.00001; gnomAD 0.00001; gnomAD exomes 0.00001; ExAC 0.00002; 1000 Genomes Project 0.00020; 1000 Genomes Project 30x 0.00031.
gnomAD v4.1: 22 of 1,611,116 alleles (0.0014%); highest among the groups gnomAD compares: African/African-American, 0.0067%; no homozygotes.

Submissions (2):

Blueprint Genetics
Classification: Likely benign. Last evaluated: 2019-09-05. Review status: criteria provided, single submitter. Criteria: ACMG Guidelines, 2015. Collection method: clinical testing. Allele origin: germline.

Genetics Laboratories, Oxford Radcliffe Hospitals NHS Trust
Classification: Likely benign for Treacher collins syndrome 1. Review status: no assertion criteria provided. Collection method: not provided. Allele origin: somatic. Not counted in ClinVar's aggregate classification.